The following is an entry in ClinVar:

ClinVar aggregate classification (germline): Uncertain significance. Review status: criteria provided, multiple submitters, no conflicts (2 of 4 stars). 2 submissions from 2 submitters: Uncertain significance (2). Last evaluated 2024-12-17.

Conditions:
Hereditary cancer-predisposing syndrome. Also called: Neoplastic Syndromes, Hereditary; Hereditary neoplastic syndrome; Tumor predisposition; Hereditary Cancer Syndrome. Identifiers: Orphanet 140162, MedGen C0027672, MeSH D009386, MONDO:0015356.
Parathyroid carcinoma (PRTC). Also called: Parathyroid gland carcinoma; CDC73-Related Parathyroid Carcinoma. Identifiers: Orphanet 143, MedGen C0687150, MONDO:0012004, OMIM 608266, HP:0006780.

Allele frequency attached by ClinVar (database versions not stated): gnomAD exomes below 0.00001; ExAC 0.00002.
gnomAD v4.1: 2 of 1,585,062 alleles (0.00013%); highest among the groups gnomAD compares: Non-Finnish European, 0.000086%; no homozygotes.

Submissions (2):

Ambry Genetics
Classification: Uncertain significance for Hereditary cancer-predisposing syndrome. Last evaluated: 2024-12-17. Review status: criteria provided, single submitter. Criteria: Ambry Variant Classification Scheme 2023. Collection method: clinical testing. Allele origin: germline.
Comment: The p.P349T variant (also known as c.1045C>A), located in coding exon 12 of the CDC73 gene, results from a C to A substitution at nucleotide position 1045. The proline at codon 349 is replaced by threonine, an amino acid with highly similar properties. This amino acid position is highly conserved in available vertebrate species. In addition, this alteration is predicted to be tolerated by in silico analysis. Based on the available evidence, the clinical significance of this variant remains unclear.

Labcorp Genetics (formerly Invitae), Labcorp
Classification: Uncertain significance for Parathyroid carcinoma. Last evaluated: 2022-05-19. Review status: criteria provided, single submitter. Criteria: Invitae Variant Classification Sherloc (09022015). Collection method: clinical testing. Allele origin: germline.
Comment: In summary, the available evidence is currently insufficient to determine the role of this variant in disease. Therefore, it has been classified as a Variant of Uncertain Significance. Algorithms developed to predict the effect of missense changes on protein structure and function are either unavailable or do not agree on the potential impact of this missense change (SIFT: "Tolerated"; PolyPhen-2: "Possibly Damaging"; Align-GVGD: "Class C0"). This variant has not been reported in the literature in individuals affected with CDC73-related conditions. The frequency data for this variant in the population databases is considered unreliable, as metrics indicate poor data quality at this position in the gnomAD database. This sequence change replaces proline, which is neutral and non-polar, with threonine, which is neutral and polar, at codon 349 of the CDC73 protein (p.Pro349Thr).

NM_024529.5(CDC73):c.1045C>A (p.Pro349Thr)

Gene: CDC73 (cell division cycle 73; plus strand). Cytogenetic location: 1q31.2.
Variant type: single nucleotide variant.
Coding change: c.1045C>A on transcript NM_024529.5 (MANE Select); coding-DNA position 1045, C replaced by A.
Protein change: p.Pro349Thr; replaces proline 349 with threonine.
Molecular consequence: missense variant.
Genome position (GRCh38, 1-based): chr1:193,212,079, C>A. VCF-style: chr1-193212079-C-A. GRCh37 (hg19) VCF-style: chr1-193181209-C-A.
Other names: short protein forms P349T.
Identifiers: ClinVar variation 1996342 (VCV001996342.5), dbSNP rs771975951, ClinGen allele CA1303744.
Genomic context (GRCh38, chr1:193,212,079, plus strand): 5'-TATGGTTTTTATGACACAGAGTTGTGATTTTTTTTCTTTTTCACAGTTTCTCAAGCAAGA[C>A]CTCCCCCAAATCAGAAGAAAGGTGAGGTTGTGCATATGATTTTAAACTTAACTTTAAAAA-3'
Protein context (NP_078805.3, residues 339-359): PVPRPVSQAR[Pro349Thr]PPNQKKGSRT